The following is an entry in ClinVar:

ClinVar aggregate classification (germline): Uncertain significance (1 of 4 stars; one submission).

Submission:

Labcorp Genetics (formerly Invitae), Labcorp
Classification: Uncertain significance. Last evaluated: 2023-10-13. Review status: criteria provided, single submitter. Criteria: Invitae Variant Classification Sherloc (09022015). Collection method: clinical testing. Allele origin: germline.
Comment: This sequence change replaces proline, which is neutral and non-polar, with leucine, which is neutral and non-polar, at codon 208 of the NR2E3 protein (p.Pro208Leu). This variant is not present in population databases (gnomAD no frequency). This variant has not been reported in the literature in individuals affected with NR2E3-related conditions. Advanced modeling of protein sequence and biophysical properties (such as structural, functional, and spatial information, amino acid conservation, physicochemical variation, residue mobility, and thermodynamic stability) performed at Invitae indicates that this missense variant is not expected to disrupt NR2E3 protein function. In summary, the available evidence is currently insufficient to determine the role of this variant in disease. Therefore, it has been classified as a Variant of Uncertain Significance.

NM_014249.4(NR2E3):c.623C>T (p.Pro208Leu)

Gene: NR2E3 (nuclear receptor subfamily 2 group E member 3; plus strand). Cytogenetic location: 15q23.
Variant type: single nucleotide variant.
Coding change: c.623C>T on transcript NM_014249.4 (MANE Select); coding-DNA position 623, C replaced by T.
Protein change: p.Pro208Leu; replaces proline 208 with leucine.
Molecular consequence: missense variant.
Genome position (GRCh38, 1-based): chr15:71,812,387, C>T. VCF-style: chr15-71812387-C-T. GRCh37 (hg19) VCF-style: chr15-72104727-C-T.
Other names: c.623C>T, p.Pro208Leu (NM_016346.4); short protein forms P208L.
Identifiers: ClinVar variation 2768014 (VCV002768014.3), dbSNP rs2543254893, ClinGen allele CA393035237.